The following is an entry in ClinVar:

NM_001142864.4(PIEZO1):c.1047G>A (p.Glu349=)

Genes: HSALR1 (HSP90AB1 associated lncRNA 1; plus strand), PIEZO1 (piezo type mechanosensitive ion channel component 1 (Er blood group); minus strand). Cytogenetic location: 16q24.3.
Variant type: single nucleotide variant.
Coding change: c.1047G>A on transcript NM_001142864.4 (MANE Select); coding-DNA position 1047, G replaced by A.
Protein change: p.Glu349=; no amino-acid change (glutamic acid 349 retained).
Molecular consequence: synonymous variant.
Genome position (GRCh38, 1-based): chr16:88,737,788, C>T on the plus strand (G>A on the coding strand, the complement: PIEZO1 is on the minus strand). VCF-style: chr16-88737788-C-T. GRCh37 (hg19) VCF-style: chr16-88804196-C-T.
Identifiers: ClinVar variation 3234278 (VCV003234278.20), dbSNP rs1027503402, ClinGen allele CA286435505.

ClinVar aggregate classification (germline): Likely benign (1 of 4 stars; one submission).

Allele frequency attached by ClinVar (database versions not stated): gnomAD 0.00001; gnomAD exomes 0.00002; TOPMed 0.00002.
gnomAD v4.1: 34 of 1,535,722 alleles (0.0022%); highest among the groups gnomAD compares: Non-Finnish European, 0.0029%; no homozygotes.

Submission:

CeGaT Center for Human Genetics Tuebingen
Classification: Likely benign. Last evaluated: 2024-04-01. Review status: criteria provided, single submitter. Criteria: CeGaT Center For Human Genetics Tuebingen Variant Classification Criteria Version 2. Collection method: clinical testing. Allele origin: germline. Affected: yes. Observed: 1 variant allele.
Comment: PIEZO1: BP4, BP7